The following is an entry in ClinVar:

ClinVar aggregate classification (germline): Uncertain significance (1 of 4 stars; one submission).

Conditions:
Severe combined immunodeficiency, autosomal recessive, T cell-negative, B cell-negative, NK cell-positive. Also called: Severe combined immunodeficiency due to complete RAG1/2 deficiency; SCID, T CELL-NEGATIVE, B CELL-NEGATIVE, NK CELL-POSITIVE; SCID, AR, T-cell negative, B-cell negative, NK cell-positive. Identifiers: Orphanet 331206, MedGen C1832322, MONDO:0011086, OMIM 601457.
Combined immunodeficiency with skin granulomas. Identifiers: Orphanet 157949, MedGen C2673536, MONDO:0009306, OMIM 233650.

Submission:

Labcorp Genetics (formerly Invitae), Labcorp
Classification: Uncertain significance for Combined immunodeficiency with skin granulomas; Severe combined immunodeficiency, autosomal recessive, T cell-negative, B cell-negative, NK cell-positive. Last evaluated: 2023-11-27. Review status: criteria provided, single submitter. Criteria: Invitae Variant Classification Sherloc (09022015). Collection method: clinical testing. Allele origin: germline.
Comment: This sequence change replaces aspartic acid, which is acidic and polar, with asparagine, which is neutral and polar, at codon 585 of the RAG1 protein (p.Asp585Asn). This variant is not present in population databases (gnomAD no frequency). This variant has not been reported in the literature in individuals affected with RAG1-related conditions. ClinVar contains an entry for this variant (Variation ID: 1936990). Advanced modeling of protein sequence and biophysical properties (such as structural, functional, and spatial information, amino acid conservation, physicochemical variation, residue mobility, and thermodynamic stability) performed at Invitae indicates that this missense variant is not expected to disrupt RAG1 protein function with a negative predictive value of 80%. In summary, the available evidence is currently insufficient to determine the role of this variant in disease. Therefore, it has been classified as a Variant of Uncertain Significance.

NM_000448.3(RAG1):c.1753G>A (p.Asp585Asn)

Gene: RAG1 (recombination activating 1; plus strand). Cytogenetic location: 11p12.
Variant type: single nucleotide variant.
Coding change: c.1753G>A on transcript NM_000448.3 (MANE Select); coding-DNA position 1753, G replaced by A.
Protein change: p.Asp585Asn; replaces aspartic acid 585 with asparagine.
Molecular consequence: missense variant.
Genome position (GRCh38, 1-based): chr11:36,575,057, G>A. VCF-style: chr11-36575057-G-A. GRCh37 (hg19) VCF-style: chr11-36596607-G-A.
Other names: c.1753G>A, p.Asp585Asn (NM_001377277.1, NM_001377278.1, NM_001377279.1 and 1 more transcripts); short protein forms D585N.
Identifiers: ClinVar variation 1936990 (VCV001936990.5), dbSNP rs2494757425, ClinGen allele CA380153217.
Genomic context (GRCh38, chr11:36,575,057, plus strand): 5'-GCTTTGGTGTCTGCTTTGATGGACATGGAAGAAGACATCTTGGAAGGCATGAGATCCCAA[G>A]ACCTTGATGATTACCTGAATGGCCCCTTCACTGTGGTGGTGAAGGAGTCTTGTGATGGAA-3'
Protein context (NP_000439.2, residues 575-595): EDILEGMRSQ[Asp585Asn]LDDYLNGPFT